The following is an entry in ClinVar:

ClinVar aggregate classification (germline): Conflicting classifications of pathogenicity. Review status: criteria provided, conflicting classifications (1 of 4 stars). 2 submissions from 2 submitters: Uncertain significance (1); Likely benign (1). Last evaluated 2025-07-09.

Conditions:
Inborn genetic diseases. Identifiers: MedGen C0950123, MeSH D030342.

Submissions (2):

Labcorp Genetics (formerly Invitae), Labcorp
Classification: Uncertain significance. Last evaluated: 2025-07-09. Review status: criteria provided, single submitter. Criteria: Invitae Variant Classification Sherloc (09022015). Collection method: clinical testing. Allele origin: germline.
Comment: This sequence change replaces methionine, which is neutral and non-polar, with leucine, which is neutral and non-polar, at codon 1617 of the ATR protein (p.Met1617Leu). This variant is not present in population databases (gnomAD no frequency). This variant has not been reported in the literature in individuals affected with ATR-related conditions. ClinVar contains an entry for this variant (Variation ID: 1743540). An algorithm developed to predict the effect of missense changes on protein structure and function outputs the following: PolyPhen-2: "Benign". The leucine amino acid residue is found in multiple mammalian species, which suggests that this missense change does not adversely affect protein function. In summary, the available evidence is currently insufficient to determine the role of this variant in disease. Therefore, it has been classified as a Variant of Uncertain Significance.

Ambry Genetics
Classification: Likely benign for Inborn genetic diseases. Last evaluated: 2021-06-13. Review status: criteria provided, single submitter. Criteria: Ambry Variant Classification Scheme 2023. Collection method: clinical testing. Allele origin: germline.

NM_001184.4(ATR):c.4849A>C (p.Met1617Leu)

Gene: ATR (ATR checkpoint kinase; minus strand). Cytogenetic location: 3q23.
Variant type: single nucleotide variant.
Coding change: c.4849A>C on transcript NM_001184.4 (MANE Select); coding-DNA position 4849, A replaced by C.
Protein change: p.Met1617Leu; replaces methionine 1617 with leucine.
Molecular consequence: missense variant.
Genome position (GRCh38, 1-based): chr3:142,512,263, T>G on the plus strand (A>C on the coding strand, the complement: ATR is on the minus strand). VCF-style: chr3-142512263-T-G. GRCh37 (hg19) VCF-style: chr3-142231105-T-G.
Other names: c.4657A>C, p.Met1553Leu (NM_001354579.2); short protein forms M1553L, M1617L.
Identifiers: ClinVar variation 1743540 (VCV001743540.3), dbSNP rs1165501581, ClinGen allele CA354794740.